The following is an entry in ClinVar:

ClinVar aggregate classification (germline): Pathogenic. Review status: criteria provided, single submitter (1 of 4 stars). 2 submissions from 2 submitters: Pathogenic (1). 1 of the submissions does not count toward it. Last evaluated 2024-02-13.

Conditions:
Fanconi anemia (FA). Also called: Fanconi's anemia. Identifiers: Orphanet 84, MedGen C0015625, MeSH D005199, MONDO:0019391.
Fanconi anemia complementation group A (FANCA). Also called: FANCA-Related Fanconi Anemia; Fanconi anemia, group A. Identifiers: Orphanet 84, MedGen C3469521, MONDO:0009215, OMIM 227650.

Allele frequency attached by ClinVar (database versions not stated): gnomAD exomes below 0.00001; TOPMed 0.00001.
gnomAD v4.1: 1 of 1,611,312 alleles (0.000062%); highest among the groups gnomAD compares: African/African-American, 0.0013%; no homozygotes.

Submissions (3):

Labcorp Genetics (formerly Invitae), Labcorp
Classification: Pathogenic for Fanconi anemia. Last evaluated: 2024-02-13. Review status: criteria provided, single submitter. Criteria: Invitae Variant Classification Sherloc (09022015). Collection method: clinical testing. Allele origin: germline.
Comment: This sequence change affects a donor splice site in intron 7 of the FANCA gene. It is expected to disrupt RNA splicing. Variants that disrupt the donor or acceptor splice site typically lead to a loss of protein function (PMID: 16199547), and loss-of-function variants in FANCA are known to be pathogenic (PMID: 19367192). This variant is not present in population databases (gnomAD no frequency). Disruption of this splice site has been observed in individual(s) with Fanconi anemia (PMID: 9371798, 24584348). In at least one individual the data is consistent with being in trans (on the opposite chromosome) from a pathogenic variant. ClinVar contains an entry for this variant (Variation ID: 554472). Algorithms developed to predict the effect of sequence changes on RNA splicing suggest that this variant may disrupt the consensus splice site. For these reasons, this variant has been classified as Pathogenic.

Counsyl
Classification: Likely pathogenic for Fanconi anemia complementation group A. Last evaluated: 2017-10-19. Review status: no assertion criteria provided. Collection method: clinical testing. Allele origin: unknown. Not counted in ClinVar's aggregate classification.

MutSpliceDB: a database of splice sites variants effects on splicing, NIH
No classification provided (evidence only). Review status: no classification provided. Collection method: in vitro. Allele origin: not applicable. Functional consequence: retained intron. Not counted in ClinVar's aggregate classification.

Literature cited by the submitters: PubMed 16199547 (cited by Labcorp Genetics (formerly Invitae), Labcorp); PubMed 19367192 (cited by Labcorp Genetics (formerly Invitae), Labcorp); PubMed 9371798 (cited by Labcorp Genetics (formerly Invitae), Labcorp); PubMed 24584348 (cited by Labcorp Genetics (formerly Invitae), Labcorp).

NM_000135.4(FANCA):c.709+2T>C

Gene: FANCA (FA complementation group A; minus strand). Cytogenetic location: 16q24.3.
Variant type: single nucleotide variant.
Coding change: c.709+2T>C on transcript NM_000135.4 (MANE Select); the canonical splice donor site of the intron after coding-DNA position 709, T replaced by C.
Molecular consequence: splice donor variant.
Genome position (GRCh38, 1-based): chr16:89,805,278, A>G on the plus strand (T>C on the coding strand, the complement: FANCA is on the minus strand). VCF-style: chr16-89805278-A-G. GRCh37 (hg19) VCF-style: chr16-89871686-A-G.
Other names: c.709+2T>C (NM_001286167.3, NM_001018112.3); c.613+2T>C (NM_001351830.2).
Identifiers: ClinVar variation 554472 (VCV000554472.12), dbSNP rs1555571116, ClinGen allele CA397477632.